The following is an entry in ClinVar:

ClinVar aggregate classification (germline): Uncertain significance. Review status: criteria provided, multiple submitters, no conflicts (2 of 4 stars). 2 submissions from 2 submitters: Uncertain significance (2). Last evaluated 2025-09-24.

Conditions:
Erythrocytosis, familial, 3 (ECYT3). Identifiers: Orphanet 247511, MedGen C1853286, MONDO:0012353, OMIM 609820.

gnomAD v4.1: 74 of 1,318,580 alleles (0.0056%); highest among the groups gnomAD compares: Non-Finnish European, 0.0071%; no homozygotes.

Submissions (2):

Labcorp Genetics (formerly Invitae), Labcorp
Classification: Uncertain significance for Erythrocytosis, familial, 3. Last evaluated: 2025-09-24. Review status: criteria provided, single submitter. Criteria: Invitae Variant Classification Sherloc (09022015). Collection method: clinical testing. Allele origin: germline.
Comment: This sequence change replaces arginine, which is basic and polar, with cysteine, which is neutral and slightly polar, at codon 128 of the EGLN1 protein (p.Arg128Cys). This variant is present in population databases (no rsID available, gnomAD 0.01%). This variant has not been reported in the literature in individuals affected with EGLN1-related conditions. ClinVar contains an entry for this variant (Variation ID: 2069433). An algorithm developed to predict the effect of missense changes on protein structure and function (PolyPhen-2) suggests that this variant is likely to be disruptive. In summary, the available evidence is currently insufficient to determine the role of this variant in disease. Therefore, it has been classified as a Variant of Uncertain Significance.

Ambry Genetics
Classification: Uncertain significance. Last evaluated: 2025-03-23. Review status: criteria provided, single submitter. Criteria: Ambry Variant Classification Scheme 2023. Collection method: clinical testing. Allele origin: germline.
Comment: The p.R128C variant (also known as c.382C>T), located in coding exon 1 of the EGLN1 gene, results from a C to T substitution at nucleotide position 382. The arginine at codon 128 is replaced by cysteine, an amino acid with highly dissimilar properties. This amino acid position is poorly conserved in available vertebrate species. In addition, this alteration is predicted to be tolerated by in silico analysis. The evidence for this gene-disease relationship is limited; therefore, the clinical significance of this alteration is unclear.

NM_022051.3(EGLN1):c.382C>T (p.Arg128Cys)

Gene: EGLN1 (egl-9 family hypoxia inducible factor 1; minus strand). Cytogenetic location: 1q42.2.
Variant type: single nucleotide variant.
Coding change: c.382C>T on transcript NM_022051.3 (MANE Select); coding-DNA position 382, C replaced by T.
Protein change: p.Arg128Cys; replaces arginine 128 with cysteine.
Molecular consequence: missense variant.
Genome position (GRCh38, 1-based): chr1:231,421,507, G>A on the plus strand (C>T on the coding strand, the complement: EGLN1 is on the minus strand). VCF-style: chr1-231421507-G-A. GRCh37 (hg19) VCF-style: chr1-231557253-G-A.
Other names: c.382C>T (NM_022051.2); c.382C>T, p.Arg128Cys (NM_001377260.1, NM_001377261.1); short protein forms R128C.
Identifiers: ClinVar variation 2069433 (VCV002069433.6), dbSNP rs756094298, ClinGen allele CA345237340.